The following is an entry in ClinVar:

NM_003072.5(SMARCA4):c.346C>T (p.His116Tyr)

Gene: SMARCA4 (SWI/SNF related BAF chromatin remodeling complex subunit ATPase 4; plus strand). Cytogenetic location: 19p13.2.
Variant type: single nucleotide variant.
Coding change: c.346C>T on transcript NM_003072.5 (MANE Select); coding-DNA position 346, C replaced by T.
Protein change: p.His116Tyr; replaces histidine 116 with tyrosine.
Molecular consequence: missense variant. On other transcripts: non-coding transcript variant (1).
Genome position (GRCh38, 1-based): chr19:10,985,396, C>T. VCF-style: chr19-10985396-C-T. GRCh37 (hg19) VCF-style: chr19-11096072-C-T.
Other names: c.346C>T, p.His116Tyr (NM_001128844.3, NM_001128845.2, NM_001128846.2 and 5 more transcripts); short protein forms H116Y.
Identifiers: ClinVar variation 648152 (VCV000648152.9), dbSNP rs1599942158, ClinGen allele CA404055386.

ClinVar aggregate classification (germline): Uncertain significance. Review status: criteria provided, multiple submitters, no conflicts (2 of 4 stars). 2 submissions from 2 submitters: Uncertain significance (2). Last evaluated 2025-05-15.

Conditions:
Hereditary cancer-predisposing syndrome. Also called: Neoplastic Syndromes, Hereditary; Tumor predisposition; Hereditary Cancer Syndrome; Hereditary neoplastic syndrome. Identifiers: Orphanet 140162, MedGen C0027672, MeSH D009386, MONDO:0015356.
Rhabdoid tumor predisposition syndrome 2 (RTPS2). Identifiers: Orphanet 231108, Orphanet 69077, MedGen C2750074, MONDO:0013224, OMIM 613325.

Submissions (2):

Ambry Genetics
Classification: Uncertain significance for Hereditary cancer-predisposing syndrome. Last evaluated: 2025-05-15. Review status: criteria provided, single submitter. Criteria: Ambry Variant Classification Scheme 2023. Collection method: clinical testing. Allele origin: germline.
Comment: The p.H116Y variant (also known as c.346C>T), located in coding exon 2 of the SMARCA4 gene, results from a C to T substitution at nucleotide position 346. The histidine at codon 116 is replaced by tyrosine, an amino acid with similar properties. This amino acid position is conserved. In addition, the in silico prediction for this alteration is inconclusive. Based on the available evidence, the clinical significance of this variant remains unclear.

Labcorp Genetics (formerly Invitae), Labcorp
Classification: Uncertain significance for Rhabdoid tumor predisposition syndrome 2. Last evaluated: 2021-08-19. Review status: criteria provided, single submitter. Criteria: Invitae Variant Classification Sherloc (09022015). Collection method: clinical testing. Allele origin: germline.
Comment: This variant has not been reported in the literature in individuals with SMARCA4-related disease. In summary, the available evidence is currently insufficient to determine the role of this variant in disease. Therefore, it has been classified as a Variant of Uncertain Significance. Algorithms developed to predict the effect of missense changes on protein structure and function (SIFT, PolyPhen-2, Align-GVGD) all suggest that this variant is likely to be disruptive, but these predictions have not been confirmed by published functional studies and their clinical significance is uncertain. This variant is not present in population databases (ExAC no frequency). This sequence change replaces histidine with tyrosine at codon 116 of the SMARCA4 protein (p.His116Tyr). The histidine residue is highly conserved and there is a moderate physicochemical difference between histidine and tyrosine.